The following is an entry in ClinVar:

ClinVar aggregate classification (germline): Benign (0 of 4 stars; one submission).

Conditions:
MUC16-related disorder. Also called: MUC16-related condition.

Allele frequency attached by ClinVar (database versions not stated): TOPMed 0.00251; gnomAD 0.00312; ESP Exome Variant Server 0.00352; 1000 Genomes Project 0.00359; 1000 Genomes Project 30x 0.00359; gnomAD exomes 0.00417; ExAC 0.00498.

Submission:

PreventionGenetics, part of Exact Sciences
Classification: Benign for MUC16-related condition. Last evaluated: 2019-02-19. Review status: no assertion criteria provided. Collection method: clinical testing. Allele origin: germline.
Comment: This variant is classified as benign based on ACMG/AMP sequence variant interpretation guidelines (Richards et al. 2015 PMID: 25741868, with internal and published modifications).

NM_001401501.2(MUC16):c.37629C>T (p.Ser12543=)

Gene: MUC16 (mucin 16, cell surface associated; minus strand). Cytogenetic location: 19p13.2.
Variant type: single nucleotide variant.
Coding change: c.37629C>T on transcript NM_001401501.2 (MANE Select); coding-DNA position 37629, C replaced by T.
Protein change: p.Ser12543=; no amino-acid change (serine 12543 retained).
Molecular consequence: synonymous variant.
Genome position (GRCh38, 1-based): chr19:8,909,376, G>A on the plus strand (C>T on the coding strand, the complement: MUC16 is on the minus strand). VCF-style: chr19-8909376-G-A. GRCh37 (hg19) VCF-style: chr19-9020052-G-A.
Other names: c.38055C>T, p.Ser12685= (NM_001414686.1); c.37509C>T, p.Ser12503= (NM_001414687.1); c.37443C>T, p.Ser12481= (NM_024690.2).
Identifiers: ClinVar variation 3044461 (VCV003044461.2), dbSNP rs149857609, ClinGen allele CA9165172.